The following is an entry in ClinVar:

NM_018897.3(DNAH7):c.5276G>A (p.Trp1759Ter)

Gene: DNAH7 (dynein axonemal heavy chain 7; minus strand). Cytogenetic location: 2q32.3.
Variant type: single nucleotide variant.
Coding change: c.5276G>A on transcript NM_018897.3 (MANE Select); coding-DNA position 5276, G replaced by A.
Protein change: p.Trp1759Ter; replaces tryptophan 1759 with a stop codon.
Molecular consequence: nonsense.
Genome position (GRCh38, 1-based): chr2:195,888,388, C>T on the plus strand (G>A on the coding strand, the complement: DNAH7 is on the minus strand). VCF-style: chr2-195888388-C-T. GRCh37 (hg19) VCF-style: chr2-196753112-C-T.
Other names: short protein forms W1759*.
Identifiers: ClinVar variation 4845708 (VCV004845708.1).

ClinVar aggregate classification (germline): Likely pathogenic (1 of 4 stars; one submission).

Conditions:
Ciliary dyskinesia, primary, 50 (CILD50). Identifiers: MedGen C5830473, MONDO:0957252, OMIM 620356.

gnomAD v4.1: 80 of 1,603,352 alleles (0.005%); highest among the groups gnomAD compares: South Asian, 0.078%; 2 homozygotes.

Submission:

First Genomix Gene Laboratory, Genetic Diagnostics Department
Classification: Likely pathogenic for Ciliary dyskinesia, primary, 50. Last evaluated: 2025-01-17. Review status: criteria provided, single submitter. Criteria: ACMG Guidelines, 2015. Collection method: clinical testing. Allele origin: germline. Inheritance: Autosomal recessive inheritance. Affected: no. Observed: 1 variant allele.